The following is an entry in ClinVar:

NM_002693.3(POLG):c.2794C>T (p.His932Tyr)

Gene: POLG (DNA polymerase gamma, catalytic subunit; minus strand). Cytogenetic location: 15q26.1.
Variant type: single nucleotide variant.
Coding change: c.2794C>T on transcript NM_002693.3 (MANE Select); coding-DNA position 2794, C replaced by T.
Protein change: p.His932Tyr; replaces histidine 932 with tyrosine.
Molecular consequence: missense variant.
Genome position (GRCh38, 1-based): chr15:89,320,953, G>A on the plus strand (C>T on the coding strand, the complement: POLG is on the minus strand). VCF-style: chr15-89320953-G-A. GRCh37 (hg19) VCF-style: chr15-89864184-G-A.
Other names: c.2794C>T, p.His932Tyr (NM_001126131.2); short protein forms H932Y.
Identifiers: ClinVar variation 13500 (VCV000013500.11), dbSNP rs121918048, ClinGen allele CA256891.

ClinVar aggregate classification (germline): Pathogenic. Review status: criteria provided, multiple submitters, no conflicts (2 of 4 stars). 7 submissions from 7 submitters: Pathogenic (6). 1 of the submissions does not count toward it. Last evaluated 2024-06-14.

Conditions:
Mitochondrial DNA depletion syndrome. Also called: mitochondrial DNA depletion. Identifiers: Orphanet 35698, MedGen C0342782, MONDO:0018158.
Progressive external ophthalmoplegia with mitochondrial DNA deletions, autosomal dominant 1 (PEOA1). Also called: Autosomal Dominant Progressive External Ophthalmoplegia (adPEO); PROGRESSIVE EXTERNAL OPHTHALMOPLEGIA, AUTOSOMAL DOMINANT 1. Identifiers: MedGen C1834846, MONDO:0024528, OMIM 157640.
Progressive external ophthalmoplegia with mitochondrial DNA deletions, autosomal recessive 1 (PEOB1). Also called: Progressive external ophthalmoplegia, autosomal recessive 1; Autosomal Recessive Progressive External Ophthalmoplegia (arPEO). Identifiers: Orphanet 254886, MedGen C4225153, MONDO:0009783, OMIM 258450.
Mitochondrial DNA depletion syndrome 4b. Also called: Mitochondrial Neurogastrointestinal Encephalopathy Disease, POLG-Related; MNGIE, POLG-RELATED. Identifiers: Orphanet 298, MedGen C3150914, MONDO:0013350, OMIM 613662.
Progressive sclerosing poliodystrophy (MTDPS4A). Also called: ALPERS PROGRESSIVE INFANTILE POLIODYSTROPHY; ALPERS DIFFUSE DEGENERATION OF CEREBRAL GRAY MATTER WITH HEPATIC CIRRHOSIS; Alpers-Huttenlocher Syndrome; Alpers-Huttenlocher Syndrome (AHS); NEURONAL DEGENERATION OF CHILDHOOD WITH LIVER DISEASE, PROGRESSIVE; Alpers Syndrome. Identifiers: Orphanet 726, MedGen C0205710, MONDO:0008758, OMIM 203700.
Sensory ataxic neuropathy, dysarthria, and ophthalmoparesis (SANDO). Also called: SENSORY ATAXIC NEUROPATHY WITH MITOCHONDRIAL DNA DELETIONS, AUTOSOMAL RECESSIVE; Sensory ataxic neuropathy-dysarthria-ophthalmoparesis syndrome; Epilepsy, progressive myoclonic, type 5; Ataxia Neuropathy Spectrum (ANS). Identifiers: Orphanet 70595, MedGen C1843851, MONDO:0011835, OMIM 607459.
Mitochondrial disease. Also called: Mitochondrial disorder; Mitochondrial disorders. Identifiers: Orphanet 68380, MedGen C0751651, MeSH D028361, MONDO:0044970.

Allele frequency attached by ClinVar (database versions not stated): gnomAD exomes below 0.00001.
gnomAD v4.1: 3 of 1,614,004 alleles (0.00019%); highest among the groups gnomAD compares: Non-Finnish European, 0.00025%; no homozygotes.

Submissions (7):

Fulgent Genetics
Classification: Pathogenic for Progressive external ophthalmoplegia with mitochondrial DNA deletions, autosomal dominant 1; Progressive sclerosing poliodystrophy; Progressive external ophthalmoplegia with mitochondrial DNA deletions, autosomal recessive 1; Sensory ataxic neuropathy, dysarthria, and ophthalmoparesis; Mitochondrial DNA depletion syndrome 4b. Last evaluated: 2024-06-14. Review status: criteria provided, single submitter. Criteria: ACMG Guidelines, 2015. Collection method: clinical testing. Allele origin: germline.

Women's Health and Genetics/Laboratory Corporation of America, LabCorp
Classification: Pathogenic for Mitochondrial DNA depletion syndrome. Last evaluated: 2024-06-13. Review status: criteria provided, single submitter. Criteria: LabCorp Variant Classification Summary - May 2015. Collection method: clinical testing. Allele origin: germline.
Comment: Variant summary: POLG c.2794C>T (p.His932Tyr) results in a conservative amino acid change located in the DNA polymerase gamma, palm domain (IPR047580) of the encoded protein sequence. Four of five in-silico tools predict a damaging effect of the variant on protein function. The variant was absent in 250848 control chromosomes. c.2794C>T has been reported in the literature in the compound heterozygous state in multiple individuals affected with POLG-related conditions (e.g. Castiglioni_2018, DiFonzo_2003, Mancuso_2004, Tang_2011) and segregated with disease in at least one family (e.g. Mancuso_2004). These data indicate that the variant is very likely to be associated with disease. At least one in vitro study in yeast reports experimental evidence evaluating an impact on protein function (e.g. Baruffini_2010). This variant is also known as c.3076C>T. The following publications have been ascertained in the context of this evaluation (PMID: 17980715, 29358615, 14635118, 20837862, 14745080, 21880868). ClinVar contains an entry for this variant (Variation ID: 13500). Based on the evidence outlined above, the variant was classified as pathogenic.

Labcorp Genetics (formerly Invitae), Labcorp
Classification: Pathogenic for Progressive sclerosing poliodystrophy. Last evaluated: 2023-10-29. Review status: criteria provided, single submitter. Criteria: Invitae Variant Classification Sherloc (09022015). Collection method: clinical testing. Allele origin: germline.
Comment: This sequence change replaces histidine, which is basic and polar, with tyrosine, which is neutral and polar, at codon 932 of the POLG protein (p.His932Tyr). This variant is not present in population databases (gnomAD no frequency). This missense change has been observed in individual(s) with POLG-related conditions (PMID: 14745080, 20837862, 29358615). In at least one individual the data is consistent with being in trans (on the opposite chromosome) from a pathogenic variant. It has also been observed to segregate with disease in related individuals. ClinVar contains an entry for this variant (Variation ID: 13500). Advanced modeling of protein sequence and biophysical properties (such as structural, functional, and spatial information, amino acid conservation, physicochemical variation, residue mobility, and thermodynamic stability) performed at Invitae indicates that this missense variant is expected to disrupt POLG protein function with a positive predictive value of 95%. Experimental studies have shown that this missense change affects POLG function (PMID: 17980715). For these reasons, this variant has been classified as Pathogenic.

GeneDx
Classification: Pathogenic. Last evaluated: 2023-05-03. Review status: criteria provided, single submitter. Criteria: GeneDx Variant Classification Process June 2021. Collection method: clinical testing. Allele origin: germline. Affected: yes.
Comment: Published functional studies show that the equivalent yeast mutation to H932Y increased mtDNA instability, thus demonstrating a damaging effect (Baruffini et al., 2007); Not observed at significant frequency in large population cohorts (gnomAD); In silico analysis supports that this missense variant has a deleterious effect on protein structure/function; This variant is associated with the following publications: (PMID: 20837862, 14635118, 14745080, 21880868, 17980715, 29358615, 20220442, 36157077, 27535533)

Victorian Clinical Genetics Services, Murdoch Childrens Research Institute
Classification: Pathogenic for Mitochondrial disease. Last evaluated: 2020-10-19. Review status: criteria provided, single submitter. Criteria: ACMG Guidelines, 2015. Collection method: clinical testing. Allele origin: germline. Inheritance: Autosomal recessive inheritance. Affected: yes.
Comment: Based on the classification scheme VCGS_Germline_v1.3.3, this variant is classified as Pathogenic. Following criteria are met: 0102 - Loss of function is a known mechanism of disease in this gene and is associated with POLG-related mitochondrial disorder. (I) 0108 - This gene is associated with both recessive and dominant disease (OMIM). (I) 0112 - The condition associated with this gene has incomplete penetrance (OMIM). (I) 0200 - Variant is predicted to result in a missense amino acid change from histidine to tyrosine. (I) 0251 – This variant is heterozygous. (I) 0301 - Variant is absent from gnomAD (v2 and v3). (SP) 0501 - Missense variant consistently predicted to be damaging by multiple in silico tools or highly conserved with a major amino acid change. (SP) 0600 - Variant is located in an annotated domain or motif (DNA polymerase family A domain; NCBI). (I) 0705 - No comparable missense variants have previous evidence for pathogenicity. (I) 0801 - This variant has strong previous evidence of pathogenicity in unrelated individuals. This variant has been previously reported as pathogenic in patients with POLG-related mitochondrial disorder (ClinVar, PMID: 20837862, 21880868, 29358615). (SP) 1002 - This variant has moderate functional evidence supporting abnormal protein function. Functional studies show that this variant reduces the kinetic efficiency governing correct nucleotide incorporation (PMID:20685647). (SP) 1208 - Inheritance information for this variant is not currently available in this individual. (I) Legend: (SP) - Supporting pathogenic, (I) - Information, (SB) - Supporting benign

Wong Mito Lab, Molecular and Human Genetics, Baylor College of Medicine
Classification: Pathogenic for Progressive sclerosing poliodystrophy. Last evaluated: 2018-10-01. Review status: criteria provided, single submitter. Criteria: ACMG Guidelines, 2015. Collection method: clinical testing. Allele origin: germline.
Comment: The NM_002693.2:c.2794C>T (NP_002684.1:p.His932Tyr) [GRCH38: NC_000015.10:g.89320953G>A] variant in POLG gene is interpretated to be a Pathogenic based on ACMG guidelines (PMID: 25741868). This variant has been reported in PMID:14635118 . This variant meets the following evidence codes reported in the ACMG-guideline. PS1:This variation causes same amino-acid change as an established pathogenic variant. PM2:This variant is absent in key population databases. PM3:Detected in trans with a pathogenic variant for Mitochondrial DNA depletion syndrome 4A (Alpers type) which is a recessive disorder. PP1:This variant is co-segregated with Mitochondrial DNA depletion syndrome 4A (Alpers type) in multiple affected family members. PP4:Patient's phenotype or family history is highly specific for POLG. Based on the evidence criteria codes applied, the variant is suggested to be Pathogenic.

OMIM
Classification: Pathogenic for SENSORY ATAXIC NEUROPATHY, DYSARTHRIA, AND OPHTHALMOPARESIS. Last evaluated: 2004-01-27. Review status: no assertion criteria provided. Collection method: literature only. Allele origin: germline. Not counted in ClinVar's aggregate classification.

Literature cited by the submitters: PubMed 21880868 (cited by Women's Health and Genetics/Laboratory Corporation of America, LabCorp and Victorian Clinical Genetics Services, Murdoch Childrens Research Institute); PubMed 29358615 (cited by 3 submitters); PubMed 14635118 (cited by Women's Health and Genetics/Laboratory Corporation of America, LabCorp and Wong Mito Lab, Molecular and Human Genetics, Baylor College of Medicine); PubMed 17980715 (cited by Women's Health and Genetics/Laboratory Corporation of America, LabCorp and Labcorp Genetics (formerly Invitae), Labcorp); PubMed 20837862 (cited by 3 submitters); PubMed 14745080 (cited by 3 submitters); PubMed 20685647 (cited by Victorian Clinical Genetics Services, Murdoch Childrens Research Institute).